The following is an entry in ClinVar:

NM_000552.5(VWF):c.7150C>T (p.Arg2384Trp)

Gene: VWF (von Willebrand factor; minus strand). Cytogenetic location: 12p13.31.
Variant type: single nucleotide variant.
Coding change: c.7150C>T on transcript NM_000552.5 (MANE Select); coding-DNA position 7150, C replaced by T.
Protein change: p.Arg2384Trp; replaces arginine 2384 with tryptophan.
Molecular consequence: missense variant.
Genome position (GRCh38, 1-based): chr12:5,981,923, G>A on the plus strand (C>T on the coding strand, the complement: VWF is on the minus strand). VCF-style: chr12-5981923-G-A. GRCh37 (hg19) VCF-style: chr12-6091089-G-A.
Other names: short protein forms R2384W.
Identifiers: ClinVar variation 1302737 (VCV001302737.8), dbSNP rs145697622, ClinGen allele CA6401754.
Genomic context (GRCh38, chr12:5,981,923, plus strand): 5'-TCACTGTGGAGTTGACACAGTTGCAGGCACACTCATACTCATCACAGCACTGGGTCTTCC[G>A]AAGGGTGGGCAAACGGTGCGGGGGGCAGGAGGGTGGGGACACTCTTTTGCACTCCTCCTT-3'
Protein context (NP_000543.3, residues 2374-2394): SCPPHRLPTL[Arg2384Trp]KTQCCDEYEC

ClinVar aggregate classification (germline): Uncertain significance. Review status: criteria provided, multiple submitters, no conflicts (2 of 4 stars). 3 submissions from 3 submitters: Uncertain significance (3). Last evaluated 2025-11-20.

Conditions:
VWF-related disorder. Also called: VWF-related disorders; VWF-related condition.

Allele frequency attached by ClinVar (database versions not stated): gnomAD exomes 0.00012 and 0.00022; ExAC 0.00018; 1000 Genomes Project 0.00060; 1000 Genomes Project 30x 0.00062; gnomAD 0.00086 and 0.00093; ESP Exome Variant Server 0.00092; TOPMed 0.00099.
gnomAD v4.1: 306 of 1,577,726 alleles (0.019%); highest among the groups gnomAD compares: African/African-American, 0.22%; no homozygotes.

Submissions (3):

Women's Health and Genetics/Laboratory Corporation of America, LabCorp
Classification: Uncertain significance. Last evaluated: 2025-11-20. Review status: criteria provided, single submitter. Criteria: LabCorp Variant Classification Summary - May 2015. Collection method: clinical testing. Allele origin: germline.
Comment: Variant summary: VWF c.7150C>T (p.Arg2384Trp) results in a non-conservative amino acid change in the encoded protein sequence. Algorithms developed to predict the effect of missense changes on protein structure and function are either unavailable or do not agree on the potential impact of this missense change. The variant allele was found at a frequency of 0.00022 in 251202 control chromosomes. This frequency is not significantly higher than estimated for disease-causing variants in VWF, allowing no conclusion about variant significance. c.7150C>T has been observed in individuals affected with Von Willebrand Disease who harbored other variants in disease-associated genes, and in healthy unaffected controls (example, Corrales_2012, Bellissimo_2012, Borras_2022). These report(s) do not provide unequivocal conclusions about association of the variant with Von Willebrand Disease. To our knowledge, no experimental evidence demonstrating an impact on protein function has been reported. The following publications have been ascertained in the context of this evaluation (PMID: 22197721, 34708896, 22315491). ClinVar contains an entry for this variant (Variation ID: 1302737). Based on the evidence outlined above, the variant was classified as uncertain significance.

GeneDx
Classification: Uncertain significance. Last evaluated: 2023-07-14. Review status: criteria provided, single submitter. Criteria: GeneDx Variant Classification Process June 2021. Collection method: clinical testing. Allele origin: germline. Affected: yes.
Comment: Identified in a patient with von Willebrand disease in published literature who harbored several additional variants in the VFW gene (Corrales et al., 2012); Identified in two unaffected individuals with normal laboratory values (Bellissimo et al., 2012); In silico analysis supports that this missense variant has a deleterious effect on protein structure/function; This variant is associated with the following publications: (PMID: 22197721, 23216583, 23690449, 22315491, 34708896)

PreventionGenetics, part of Exact Sciences
Classification: Uncertain significance for VWF-related condition. Last evaluated: 2023-05-24. Review status: criteria provided, single submitter. Criteria: ACMG Guidelines, 2015. Collection method: clinical testing. Allele origin: germline.
Comment: The VWF c.7150C>T variant is predicted to result in the amino acid substitution p.Arg2384Trp. This variant, along with additional VWF variants, has been reported in an individual with Von Willebrand disease type I (Corrales et al. 2012. PubMed ID: 22315491). This variant has also been reported in the heterozygous state with other variants in an individual with hemophilia A (Borràs et al. 2021. PubMed ID: 34708896). However, this variant has also been observed in healthy controls (Bellissimo et al. 2011. PubMed ID: 22197721). This variant is reported in 0.22% of alleles in individuals of African descent in gnomAD. At this time, the clinical significance of this variant is uncertain due to the absence of conclusive functional and genetic evidence.

Literature cited by the submitters: PubMed 22315491 (cited by Women's Health and Genetics/Laboratory Corporation of America, LabCorp); PubMed 22197721 (cited by Women's Health and Genetics/Laboratory Corporation of America, LabCorp); PubMed 34708896 (cited by Women's Health and Genetics/Laboratory Corporation of America, LabCorp).